The following is an entry in ClinVar:

ClinVar aggregate classification (germline): Likely benign (1 of 4 stars; one submission).

Conditions:
PHGDH deficiency. Identifiers: Orphanet 79351, MedGen C1866174, MONDO:0011152, OMIM 601815.

Allele frequency attached by ClinVar (database versions not stated): 1000 Genomes Project 0.00339; gnomAD 0.00343 and 0.00373; 1000 Genomes Project 30x 0.00359; TOPMed 0.00360.
gnomAD v4.1: 798 of 747,100 alleles (0.11%); highest among the groups gnomAD compares: African/African-American, 1.2%; 5 homozygotes.

Submission:

Illumina Laboratory Services, Illumina
Classification: Likely benign for PHGDH deficiency. Last evaluated: 2018-01-12. Review status: criteria provided, single submitter. Criteria: ICSL Variant Classification Criteria 13 December 2019. Collection method: clinical testing. Allele origin: germline.
Comment: This variant was observed in the ICSL laboratory as part of a predisposition screen in an ostensibly healthy population. It had not been previously curated by ICSL or reported in the Human Gene Mutation Database (HGMD: prior to June 1st, 2018), and was therefore a candidate for classification through an automated scoring system. Utilizing variant allele frequency, disease prevalence and penetrance estimates, and inheritance mode, an automated score was calculated to assess if this variant is too frequent to cause the disease. Based on the score and internal cut-off values, a variant classified as likely benign is not then subjected to further curation. The score for this variant resulted in a classification of likely benign for this disease.

NM_006623.4(PHGDH):c.*151C>G

Gene: PHGDH (phosphoglycerate dehydrogenase; plus strand). Cytogenetic location: 1p12.
Variant type: single nucleotide variant.
Coding change: c.*151C>G on transcript NM_006623.4 (MANE Select); 151 bases downstream of the stop codon, C replaced by G.
Molecular consequence: 3 prime UTR variant.
Genome position (GRCh38, 1-based): chr1:119,744,191, C>G. VCF-style: chr1-119744191-C-G. GRCh37 (hg19) VCF-style: chr1-120286814-C-G.
Identifiers: ClinVar variation 875430 (VCV000875430.4), dbSNP rs112584109, ClinGen allele CA30264064.
Genomic context (GRCh38, chr1:119,744,191, plus strand): 5'-CTGAACGCGGGCCTCTGACACTGCTTACACTGCACTCTGACCCTGTAGTACAGCAATAAC[C>G]GTCTAATAAAGAGCCTACCCCCAACTCCTTCTGCACTTTTGTGTGGTCATTATCCTAAAG-3'